The following is an entry in ClinVar:

ClinVar aggregate classification (germline): Uncertain significance. Review status: criteria provided, multiple submitters, no conflicts (2 of 4 stars). 3 submissions from 3 submitters: Uncertain significance (2). 1 of the submissions does not count toward it. Last evaluated 2024-04-15.

Conditions:
Cystic fibrosis (CF). Also called: MUCOVISCIDOSIS. Identifiers: Orphanet 586, MedGen C0010674, MONDO:0009061, OMIM 219700. Disease mechanism: loss of function.

Submissions (3):

Women's Health and Genetics/Laboratory Corporation of America, LabCorp
Classification: Uncertain significance. Last evaluated: 2024-04-15. Review status: criteria provided, single submitter. Criteria: LabCorp Variant Classification Summary - May 2015. Collection method: clinical testing. Allele origin: germline.
Comment: Variant summary: CFTR c.3140-4A>G alters a conserved nucleotide located close to a canonical splice site and therefore could affect mRNA splicing, leading to a significantly altered protein sequence. Consensus agreement among computation tools predict no significant impact on normal splicing. However, these predictions have yet to be confirmed by functional studies. The variant was absent in 249162 control chromosomes. The available data on variant occurrences in the general population are insufficient to allow any conclusion about variant significance. c.3140-4A>G has been reported in the literature in one individual affected with Cystic Fibrosis (Kanavakis_1995, Tzetis_1997). These data do not allow any conclusion about variant significance. To our knowledge, no experimental evidence demonstrating an impact on protein function has been reported. ClinVar contains an entry for this variant (Variation ID: 53662). Based on the evidence outlined above, the variant was classified as uncertain significance.

Labcorp Genetics (formerly Invitae), Labcorp
Classification: Uncertain significance for Cystic fibrosis. Last evaluated: 2022-07-12. Review status: criteria provided, single submitter. Criteria: Invitae Variant Classification Sherloc (09022015). Collection method: clinical testing. Allele origin: germline.
Comment: This sequence change falls in intron 19 of the CFTR gene. It does not directly change the encoded amino acid sequence of the CFTR protein. This variant is not present in population databases (gnomAD no frequency). This variant has been observed in individual(s) with clinical features of cystic fibrosis (PMID: 7544320). This variant is also known as 3272-4A>G. ClinVar contains an entry for this variant (Variation ID: 53662). Algorithms developed to predict the effect of sequence changes on RNA splicing suggest that this variant is not likely to affect RNA splicing. In summary, the available evidence is currently insufficient to determine the role of this variant in disease. Therefore, it has been classified as a Variant of Uncertain Significance.

ClinVar Staff, National Center for Biotechnology Information (NCBI)
No classification provided. Condition: CFTR-related disorders. Review status: no classification provided. Collection method: literature only. Allele origin: germline. Affected: yes. Not counted in ClinVar's aggregate classification.

Literature cited by the submitters: PubMed 7544320 (cited by Women's Health and Genetics/Laboratory Corporation of America, LabCorp and Labcorp Genetics (formerly Invitae), Labcorp); PubMed 9003508 (cited by Women's Health and Genetics/Laboratory Corporation of America, LabCorp and ClinVar Staff, National Center for Biotechnology Information (NCBI)).

NM_000492.4(CFTR):c.3140-4A>G

Genes: CFTR (CF transmembrane conductance regulator; plus strand), CFTR-AS2 (CFTR antisense RNA 2; minus strand), LOC111674472 (DNase I hypersensitive sites in introns 16 and 17a of CFTR; plus strand). Cytogenetic location: 7q31.2.
Variant type: single nucleotide variant.
Coding change: c.3140-4A>G on transcript NM_000492.4 (MANE Select); 4 bases into the intron before coding-DNA position 3140, A replaced by G.
Molecular consequence: intron variant.
Genome position (GRCh38, 1-based): chr7:117,611,577, A>G. VCF-style: chr7-117611577-A-G. GRCh37 (hg19) VCF-style: chr7-117251631-A-G.
Identifiers: ClinVar variation 53662 (VCV000053662.6), dbSNP rs397508507, ClinGen allele CA327061.